The following is an entry in ClinVar:

ClinVar aggregate classification (germline): Uncertain significance (1 of 4 stars; one submission).

Submission:

Laboratory for Molecular Medicine, Mass General Brigham Personalized Medicine
Classification: Uncertain significance. Last evaluated: 2013-06-27. Review status: criteria provided, single submitter. Criteria: LMM Criteria. Collection method: clinical testing. Allele origin: germline. Observed: 1 variant allele.
Comment: The Asp33Asn variant in TNNC1 has not been reported in individuals with cardiomy opathy or in large population studies. Computational analyses (biochemical amino acid properties, conservation, AlignGVGD, PolyPhen2, and SIFT) do not provide s trong support for or against an impact to the protein. Additional information is needed to fully assess the clinical significance of the Asp33Asn variant.

NM_003280.3(TNNC1):c.97G>A (p.Asp33Asn)

Gene: TNNC1 (troponin C1, slow skeletal and cardiac type; minus strand). Cytogenetic location: 3p21.1.
Variant type: single nucleotide variant.
Coding change: c.97G>A on transcript NM_003280.3 (MANE Select); coding-DNA position 97, G replaced by A.
Protein change: p.Asp33Asn; replaces aspartic acid 33 with asparagine.
Molecular consequence: missense variant.
Genome position (GRCh38, 1-based): chr3:52,452,211, C>T on the plus strand (G>A on the coding strand, the complement: TNNC1 is on the minus strand). VCF-style: chr3-52452211-C-T. GRCh37 (hg19) VCF-style: chr3-52486227-C-T.
Other names: short protein forms D33N.
Identifiers: ClinVar variation 165497 (VCV000165497.5), dbSNP rs727503494, ClinGen allele CA178252.